The following is an entry in ClinVar:

ClinVar aggregate classification (germline): Benign. Review status: criteria provided, multiple submitters, no conflicts (2 of 4 stars). 2 submissions from 2 submitters: Benign (2). Last evaluated 2026-05-01.

Conditions:
Hereditary cancer-predisposing syndrome. Also called: Neoplastic Syndromes, Hereditary; Hereditary neoplastic syndrome; Tumor predisposition; Hereditary Cancer Syndrome. Identifiers: Orphanet 140162, MedGen C0027672, MeSH D009386, MONDO:0015356.

Allele frequency attached by ClinVar (database versions not stated): 1000 Genomes Project 30x 0.00656; 1000 Genomes Project 0.00679; gnomAD 0.00680 and 0.00713; TOPMed 0.00711.

Submissions (2):

CeGaT Center for Human Genetics Tuebingen
Classification: Benign. Last evaluated: 2026-05-01. Review status: criteria provided, single submitter. Criteria: CeGaT Center For Human Genetics Tuebingen Variant Classification Criteria Version 2. Collection method: clinical testing. Allele origin: germline. Affected: yes. Observed: 6 variant alleles.
Comment: OMG: BS1, BS2; NF1: BS1, BS2

Sema4
Classification: Benign for Hereditary cancer-predisposing syndrome. Last evaluated: 2020-07-31. Review status: criteria provided, single submitter. Criteria: Sema4 Curation Guidelines. Collection method: curation. Allele origin: germline.

NM_001042492.3(NF1):c.4836-28461T>G

Genes: NF1 (neurofibromin 1; plus strand), OMG (oligodendrocyte myelin glycoprotein; minus strand). Cytogenetic location: 17q11.2.
Variant type: single nucleotide variant.
Coding change: c.4836-28461T>G on transcript NM_001042492.3 (MANE Select); 28461 bases into the intron before coding-DNA position 4836, T replaced by G.
Molecular consequence: intron variant.
Genome position (GRCh38, 1-based): chr17:31,297,359, T>G. VCF-style: chr17-31297359-T-G. GRCh37 (hg19) VCF-style: chr17-29624377-T-G.
Other names: c.4773-28461T>G (NM_000267.4).
Identifiers: ClinVar variation 1692339 (VCV001692339.17), dbSNP rs145889749, ClinGen allele CA289352245.
Genomic context (GRCh38, chr17:31,297,359, plus strand): 5'-AACCACCTGATCAGTACCACATAGGAGGACTGCAGAGCTGTCGCTGGTGCTGACTCAAAT[T>G]TATGGCAAGAGGTGCACACGCAACAAAATGGACAATTTTTTAAAAAATTTGTGGCATCAA-3'